The following is an entry in ClinVar:

ClinVar aggregate classification (germline): Pathogenic (1 of 4 stars; one submission).

Conditions:
Severe myoclonic epilepsy in infancy (DRVT). Also called: SEVERE MYOCLONIC EPILEPSY OF INFANCY; Dravet syndrome; Epileptic encephalopathy, early infantile, 6 (Dravet syndrome); DEVELOPMENTAL AND EPILEPTIC ENCEPHALOPATHY 6A; Severe Myoclonic Epilepsy in Infancy (SMEI). Identifiers: Orphanet 33069, MedGen C0751122, MONDO:0100135, OMIM 607208.

Submission:

Center for Human Genetics and Genomic Medicine, Uniklinik Rwth Aachen
Classification: Pathogenic for Severe myoclonic epilepsy in infancy. Last evaluated: 2025-09-25. Review status: criteria provided, single submitter. Criteria: ACMG Guidelines, 2015. Collection method: clinical testing. Allele origin: de novo. Inheritance: Autosomal dominant inheritance. Affected: yes. Observed: 1 variant allele, 1 heterozygote.
Comment: This variant has not yet been reported in the ClinVar database; however, other amino acid substitutions at the same position are listed as pathogenic (p.(Ile138Ser), VCV000449901.17, and p.(Ile138Val), VCV003067895.1) (PM1, PM5). In the literature, the variant has already been reported as de novo in a patient with Dravet syndrome (A. Strzelczyk et al., 2022). It has not yet been detected in the general population (gnomAD v4.1.0) (PM2_Supporting). Bioinformatics prediction tools (REVEL (v2021-05-03), CADD (v1.6); accessed via Alamut Visual Plus v.1.13 on September 18, 2025) classify the variant as likely pathogenic (PP3_Strong).

Literature cited by the submitters: PubMed 35156171.

NM_001165963.4(SCN1A):c.413T>C (p.Ile138Thr)

Gene: SCN1A (sodium voltage-gated channel alpha subunit 1; minus strand). Cytogenetic location: 2q24.3.
Variant type: single nucleotide variant.
Coding change: c.413T>C on transcript NM_001165963.4 (MANE Select); coding-DNA position 413, T replaced by C.
Protein change: p.Ile138Thr; replaces isoleucine 138 with threonine.
Molecular consequence: missense variant. On other transcripts: 5 prime UTR variant (1), non-coding transcript variant (1).
Genome position (GRCh38, 1-based): chr2:166,056,471, A>G on the plus strand (T>C on the coding strand, the complement: SCN1A is on the minus strand). VCF-style: chr2-166056471-A-G. GRCh37 (hg19) VCF-style: chr2-166912981-A-G.
Other names: c.413T>C, p.Ile138Thr (NM_001353949.2, NM_001353950.2, NM_001353951.2 and 10 more transcripts); c.-2013T>C (NM_001353961.2); short protein forms I138T.
Identifiers: ClinVar variation 4976872 (VCV004976872.1).
Genomic context (GRCh38, chr2:166,056,471, plus strand): 5'-TCTACATTCTTTGTCCAATCAGGAGGGTTACTCATTGTCATAAACACACAGTTTGTCAAA[A>G]TAGTGCACATAATTAGCATGCTGAATAATGTAGGTTATTGTTAAGGAACACACAAAAGAA-3'
Protein context (NP_001159435.1, residues 128-148): SLFSMLIMCT[Ile138Thr]LTNCVFMTMS